The following is an entry in ClinVar:

NM_014363.6(SACS):c.12631_12635del (p.Glu4211fs)

Gene: SACS (sacsin molecular chaperone; minus strand). Cytogenetic location: 13q12.12.
Variant type: Deletion.
Coding change: c.12631_12635del on transcript NM_014363.6 (MANE Select); coding-DNA positions 12631 to 12635, 5 bases deleted (GAAAG; older notation c.12631_12635delGAAAG).
Protein change: p.Glu4211fs; shifts the reading frame from glutamic acid 4211.
Molecular consequence: frameshift variant.
Genome position (GRCh38, 1-based): chr13:23,331,241-23,331,245, CTTTC deleted on the plus strand (GAAAG on the coding strand, the reverse complement: SACS is on the minus strand). VCF-style (leftmost placement, unchanged base first): chr13-23331240-TCTTTC-T. GRCh37 (hg19) VCF-style: chr13-23905379-TCTTTC-T.
Other names: c.12190_12194del, p.Glu4064fs (NM_001278055.2); c.12658_12662del, p.Glu4220fs (NM_001437336.1); short protein forms E4064fs, E4211fs, E4220fs.
Identifiers: ClinVar variation 4815681 (VCV004815681.1).
Genomic context (GRCh38, chr13:23,331,240, plus strand): 5'-ACTATAACCAATATCTATCTGATATATCTTTCCTAGAAAACTAGAATTGTCAGCATCTTC[TCTTTC>T]AACTTCTTGTACAATAATTGCATATGTGTATGTTGGCTGGTATGATCCATAGATATCACC-3'

ClinVar aggregate classification (germline): Likely pathogenic (1 of 4 stars; one submission).

Conditions:
Charlevoix-Saguenay spastic ataxia (SACS). Also called: AUTOSOMAL RECESSIVE SPASTIC ATAXIA OF CHARLEVOIX-SAGUENAY; Spastic ataxia of Charlevoix-Saguenay; SPASTIC ATAXIA 6, AUTOSOMAL RECESSIVE. Identifiers: Orphanet 98, MedGen C1849140, MONDO:0010041, OMIM 270550.

Submission:

Natera, Inc.
Classification: Likely pathogenic for Charlevoix-Saguenay type spastic ataxia. Last evaluated: 2025-10-16. Review status: criteria provided, single submitter. Criteria: Natera Variant Classification Schema (03/2026). Collection method: clinical testing. Allele origin: germline.
Comment: The c.12631_12635del variant in SACS is a frameshift variant predicted to shift the reading frame beginning at codon 4211 and leads to a stop codon 4 codons downstream. This variant is expected to result in nonsense mediated decay, truncation, or a dysfunctional protein product. This variant is rare in the general population with a frequency below the threshold expected for the associated phenotype(s). Given the available evidence, this variant is classified as Likely Pathogenic.